The following is an entry in ClinVar:

NM_004562.3(PRKN):c.872-1G>C

Gene: PRKN (parkin RBR E3 ubiquitin protein ligase; minus strand). Cytogenetic location: 6q26.
Variant type: single nucleotide variant.
Coding change: c.872-1G>C on transcript NM_004562.3 (MANE Select); the canonical splice acceptor site of the intron before coding-DNA position 872, G replaced by C.
Molecular consequence: splice acceptor variant.
Genome position (GRCh38, 1-based): chr6:161,569,417, C>G on the plus strand (G>C on the coding strand, the complement: PRKN is on the minus strand). VCF-style: chr6-161569417-C-G. GRCh37 (hg19) VCF-style: chr6-161990449-C-G.
Other names: c.425-1G>C (NM_013988.3); c.788-1G>C (NM_013987.3).
Identifiers: ClinVar variation 1068478 (VCV001068478.9), dbSNP rs772074730, ClinGen allele CA4090122.

ClinVar aggregate classification (germline): Pathogenic (1 of 4 stars; one submission).

Allele frequency attached by ClinVar (database versions not stated): ExAC 0.00001; gnomAD exomes 0.00001.
gnomAD v4.1: 2 of 1,613,248 alleles (0.00012%); highest among the groups gnomAD compares: Admixed American, 0.0033%; no homozygotes.

Submission:

Labcorp Genetics (formerly Invitae), Labcorp
Classification: Pathogenic. Last evaluated: 2022-11-24. Review status: criteria provided, single submitter. Criteria: Invitae Variant Classification Sherloc (09022015). Collection method: clinical testing. Allele origin: germline.
Comment: Disruption of this splice site has been observed in individual(s) with clinical features of early-onset Parkinson's disease (PMID: 12116199; Invitae). In at least one individual the data is consistent with being in trans (on the opposite chromosome) from a pathogenic variant. ClinVar contains an entry for this variant (Variation ID: 1068478). Algorithms developed to predict the effect of sequence changes on RNA splicing suggest that this variant may disrupt the consensus splice site. For these reasons, this variant has been classified as Pathogenic. This variant is present in population databases (rs772074730, gnomAD 0.006%). This sequence change affects an acceptor splice site in intron 7 of the PRKN gene. It is expected to disrupt RNA splicing. Variants that disrupt the donor or acceptor splice site typically lead to a loss of protein function (PMID: 16199547), and loss-of-function variants in PRKN are known to be pathogenic (PMID: 10072423, 20301651, 22956510).

Literature cited by the submitters: PubMed 12116199; PubMed 16199547; PubMed 10072423; PubMed 20301651; PubMed 22956510.